The following is an entry in ClinVar:

ClinVar aggregate classification (germline): Uncertain significance (1 of 4 stars; one submission).

Conditions:
Developmental and epileptic encephalopathy. Identifiers: MedGen C5779964, MONDO:0100620.

Submission:

Labcorp Genetics (formerly Invitae), Labcorp
Classification: Uncertain significance for Early-infantile DEE. Last evaluated: 2021-12-06. Review status: criteria provided, single submitter. Criteria: Invitae Variant Classification Sherloc (09022015). Collection method: clinical testing. Allele origin: germline.
Comment: Experimental studies and prediction algorithms are not available or were not evaluated, and the functional significance of this variant is currently unknown. In summary, the available evidence is currently insufficient to determine the role of this variant in disease. Therefore, it has been classified as a Variant of Uncertain Significance. This variant has not been reported in the literature in individuals affected with SCN8A-related conditions. This variant is a gross deletion of the genomic region encompassing exon(s) 21 of the SCN8A gene. This variant would be expected to be in-frame, preserving the integrity of the reading frame.

NC_000012.12:g.(?_51780629)_(51780791_?)del

Gene: SCN8A (sodium voltage-gated channel alpha subunit 8; plus strand). Cytogenetic location: 12q13.13.
Variant type: Deletion.
Identifiers: ClinVar variation 830588 (VCV000830588.4).